The following is an entry in ClinVar:

ClinVar aggregate classification (germline): Likely pathogenic (1 of 4 stars; one submission).

gnomAD v4.1: 5 of 1,596,800 alleles (0.00031%); highest among the groups gnomAD compares: Non-Finnish European, 0.00043%; no homozygotes.

Submission:

Dasa
Classification: Likely pathogenic. Last evaluated: 2024-12-20. Review status: criteria provided, single submitter. Criteria: DASA Assertion Criteria. Collection method: clinical testing. Allele origin: germline.
Comment: NM_198503.5(KCNT2):c.409C>T (p.Arg137*) is a nonsense variant in KCNT2 predicted to introduce a premature termination codon and is predicted to result in an absent or altered protein product. Loss of function is an established disease mechanism for KCNT2-associated disorders. Also, this variant is rare in population databases. Based on the currently available evidence, this variant is classified as likely pathogenic.

NM_198503.5(KCNT2):c.409C>T (p.Arg137Ter)

Gene: KCNT2 (potassium sodium-activated channel subfamily T member 2; minus strand). Cytogenetic location: 1q31.3.
Variant type: single nucleotide variant.
Coding change: c.409C>T on transcript NM_198503.5 (MANE Select); coding-DNA position 409, C replaced by T.
Protein change: p.Arg137Ter; replaces arginine 137 with a stop codon.
Molecular consequence: nonsense. On other transcripts: non-coding transcript variant (2).
Genome position (GRCh38, 1-based): chr1:196,469,044, G>A on the plus strand (C>T on the coding strand, the complement: KCNT2 is on the minus strand). VCF-style: chr1-196469044-G-A. GRCh37 (hg19) VCF-style: chr1-196438174-G-A.
Other names: c.409C>T, p.Arg137Ter (NM_001287820.3, NM_001287819.3); short protein forms R137*.
Identifiers: ClinVar variation 4885243 (VCV004885243.2).